The following is an entry in ClinVar:

ClinVar aggregate classification (germline): Uncertain significance (1 of 4 stars; one submission).

Allele frequency attached by ClinVar (database versions not stated): gnomAD 0.00002; gnomAD exomes 0.00003; TOPMed 0.00003.
gnomAD v4.1: 47 of 1,611,888 alleles (0.0029%); highest among the groups gnomAD compares: Non-Finnish European, 0.0039%; no homozygotes.

Submission:

GeneDx
Classification: Uncertain significance. Last evaluated: 2022-10-06. Review status: criteria provided, single submitter. Criteria: GeneDx Variant Classification Process June 2021. Collection method: clinical testing. Allele origin: germline. Affected: yes.
Comment: Not observed at significant frequency in large population cohorts (gnomAD); In silico analysis supports that this missense variant has a deleterious effect on protein structure/function; Has not been previously published as pathogenic or benign to our knowledge

NM_001039141.3(TRIOBP):c.6118G>A (p.Glu2040Lys)

Gene: TRIOBP (TRIO and F-actin binding protein; plus strand). Cytogenetic location: 22q13.1.
Variant type: single nucleotide variant.
Coding change: c.6118G>A on transcript NM_001039141.3 (MANE Select); coding-DNA position 6118, G replaced by A.
Protein change: p.Glu2040Lys; replaces glutamic acid 2040 with lysine.
Molecular consequence: missense variant.
Genome position (GRCh38, 1-based): chr22:37,758,043, G>A. VCF-style: chr22-37758043-G-A. GRCh37 (hg19) VCF-style: chr22-38154050-G-A.
Other names: c.979G>A, p.Glu327Lys (NM_007032.5, NM_138632.2); short protein forms E2040K, E327K.
Identifiers: ClinVar variation 2498055 (VCV002498055.1), dbSNP rs1306592339, ClinGen allele CA411507702.